The following is an entry in ClinVar:

NM_001430.5(EPAS1):c.2010T>C (p.Pro670=)

Gene: EPAS1 (endothelial PAS domain protein 1; plus strand). Cytogenetic location: 2p21.
Variant type: single nucleotide variant.
Coding change: c.2010T>C on transcript NM_001430.5 (MANE Select); coding-DNA position 2010, T replaced by C.
Protein change: p.Pro670=; no amino-acid change (proline 670 retained).
Molecular consequence: synonymous variant.
Genome position (GRCh38, 1-based): chr2:46,380,682, T>C. VCF-style: chr2-46380682-T-C. GRCh37 (hg19) VCF-style: chr2-46607821-T-C.
Identifiers: ClinVar variation 336270 (VCV000336270.7), dbSNP rs568216381, ClinGen allele CA1645172.

ClinVar aggregate classification (germline): Benign/Likely benign. Review status: criteria provided, multiple submitters, no conflicts (2 of 4 stars). 2 submissions from 2 submitters: Benign (1); Likely benign (1). Last evaluated 2022-08-23.

Conditions:
Inborn genetic diseases. Identifiers: MedGen C0950123, MeSH D030342.
Erythrocytosis, familial, 4 (ECYT4). Identifiers: Orphanet 247511, MedGen C2673187, MONDO:0012729, OMIM 611783.

Allele frequency attached by ClinVar (database versions not stated): gnomAD 0.00001 and 0.00003; gnomAD exomes 0.00004 and 0.00006; ExAC 0.00006; 1000 Genomes Project 0.00020; 1000 Genomes Project 30x 0.00031; TOPMed 0.00001.
gnomAD v4.1: 71 of 1,613,668 alleles (0.0044%); highest among the groups gnomAD compares: South Asian, 0.066%; no homozygotes.

Submissions (2):

Ambry Genetics
Classification: Likely benign for Inborn genetic diseases. Last evaluated: 2022-08-23. Review status: criteria provided, single submitter. Criteria: Ambry Variant Classification Scheme 2023. Collection method: clinical testing. Allele origin: germline.

Illumina Laboratory Services, Illumina
Classification: Benign for Erythrocytosis, familial, 4. Last evaluated: 2018-01-12. Review status: criteria provided, single submitter. Criteria: ICSL Variant Classification Criteria 13 December 2019. Collection method: clinical testing. Allele origin: germline.
Comment: This variant was observed in the ICSL laboratory as part of a predisposition screen in an ostensibly healthy population. It had not been previously curated by ICSL or reported in the Human Gene Mutation Database (HGMD: prior to June 1st, 2018), and was therefore a candidate for classification through an automated scoring system. Utilizing variant allele frequency, disease prevalence and penetrance estimates, and inheritance mode, an automated score was calculated to assess if this variant is too frequent to cause the disease. Based on the score and internal cut-off values, a variant classified as benign is not then subjected to further curation. The score for this variant resulted in a classification of benign for this disease.